The following is an entry in ClinVar:

ClinVar aggregate classification (germline): Likely benign (0 of 4 stars; one submission).

Conditions:
MCTP2-related disorder. Also called: MCTP2-related condition.

Allele frequency attached by ClinVar (database versions not stated): gnomAD exomes below 0.00001; ExAC 0.00004; TOPMed 0.00004; gnomAD 0.00006; ESP Exome Variant Server 0.00015.
gnomAD v4.1: 11 of 1,609,028 alleles (0.00068%); highest among the groups gnomAD compares: African/African-American, 0.015%; no homozygotes.

Submission:

PreventionGenetics, part of Exact Sciences
Classification: Likely benign for MCTP2-related condition. Last evaluated: 2019-02-19. Review status: no assertion criteria provided. Collection method: clinical testing. Allele origin: germline.
Comment: This variant is classified as likely benign based on ACMG/AMP sequence variant interpretation guidelines (Richards et al. 2015 PMID: 25741868, with internal and published modifications).

NM_001385001.1(MCTP2):c.1419C>T (p.Val473=)

Gene: MCTP2 (multiple C2 and transmembrane domain containing 2; plus strand). Cytogenetic location: 15q26.2.
Variant type: single nucleotide variant.
Coding change: c.1419C>T on transcript NM_001385001.1 (MANE Select); coding-DNA position 1419, C replaced by T.
Protein change: p.Val473=; no amino-acid change (valine 473 retained).
Molecular consequence: synonymous variant. On other transcripts: non-coding transcript variant (7).
Genome position (GRCh38, 1-based): chr15:94,367,722, C>T. VCF-style: chr15-94367722-C-T. GRCh37 (hg19) VCF-style: chr15-94910951-C-T.
Other names: c.1419C>T, p.Val473= (NM_001159643.2, NM_001385002.1, NM_001385003.1 and 5 more transcripts); c.183C>T, p.Val61= (NM_001159644.2); c.1137C>T, p.Val379= (NM_001385007.1); c.921C>T, p.Val307= (NM_001385009.1, NM_001385010.1); c.1101C>T, p.Val367= (NM_001385011.1).
Identifiers: ClinVar variation 3046528 (VCV003046528.2), dbSNP rs148770587, ClinGen allele CA7749974.